The following is an entry in ClinVar:

NM_001942.4(DSG1):c.1916G>T (p.Gly639Val)

Genes: DSG1 (desmoglein 1; plus strand), DSG1-AS1 (DSG1 antisense RNA 1; minus strand). Cytogenetic location: 18q12.1.
Variant type: single nucleotide variant.
Coding change: c.1916G>T on transcript NM_001942.4 (MANE Select); coding-DNA position 1916, G replaced by T.
Protein change: p.Gly639Val; replaces glycine 639 with valine.
Molecular consequence: missense variant.
Genome position (GRCh38, 1-based): chr18:31,346,014, G>T. VCF-style: chr18-31346014-G-T. GRCh37 (hg19) VCF-style: chr18-28925977-G-T.
Other names: short protein forms G639V.
Identifiers: ClinVar variation 3701213 (VCV003701213.2).

ClinVar aggregate classification (germline): Uncertain significance (1 of 4 stars; one submission).

Submission:

Labcorp Genetics (formerly Invitae), Labcorp
Classification: Uncertain significance. Last evaluated: 2024-02-20. Review status: criteria provided, single submitter. Criteria: Invitae Variant Classification Sherloc (09022015). Collection method: clinical testing. Allele origin: germline.
Comment: This sequence change replaces glycine, which is neutral and non-polar, with valine, which is neutral and non-polar, at codon 639 of the DSG1 protein (p.Gly639Val). This variant is not present in population databases (gnomAD no frequency). This variant has not been reported in the literature in individuals affected with DSG1-related conditions. Advanced modeling of protein sequence and biophysical properties (such as structural, functional, and spatial information, amino acid conservation, physicochemical variation, residue mobility, and thermodynamic stability) performed at Invitae indicates that this missense variant is not expected to disrupt DSG1 protein function with a negative predictive value of 80%. In summary, the available evidence is currently insufficient to determine the role of this variant in disease. Therefore, it has been classified as a Variant of Uncertain Significance.